The following is an entry in ClinVar:

NM_000548.5(TSC2):c.4900C>G (p.Arg1634Gly)

Gene: TSC2 (TSC complex subunit 2; plus strand). Cytogenetic location: 16p13.3.
Variant type: single nucleotide variant.
Coding change: c.4900C>G on transcript NM_000548.5 (MANE Select); coding-DNA position 4900, C replaced by G.
Protein change: p.Arg1634Gly; replaces arginine 1634 with glycine.
Molecular consequence: missense variant. On other transcripts: non-coding transcript variant (5).
Genome position (GRCh38, 1-based): chr16:2,086,782, C>G. VCF-style: chr16-2086782-C-G. GRCh37 (hg19) VCF-style: chr16-2136783-C-G.
Other names: c.4699C>G, p.Arg1567Gly (NM_001077183.3); c.4831C>G, p.Arg1611Gly (NM_001114382.3); c.4591C>G, p.Arg1531Gly (NM_001318827.2); c.4555C>G, p.Arg1519Gly (NM_001318829.2); c.4168C>G, p.Arg1390Gly (NM_001318831.2); c.4732C>G, p.Arg1578Gly (NM_001318832.2); c.4702C>G, p.Arg1568Gly (NM_001363528.2); c.4768C>G, p.Arg1590Gly (NM_001370404.1); and 26 more; short protein forms R1142G, R1367G, R1518G, R1519G, R1530G, R1531G, R1548G, R1563G.
Identifiers: ClinVar variation 2997322 (VCV002997322.3), dbSNP rs760457821, ClinGen allele CA394308443.
Genomic context (GRCh38, chr16:2,086,782, plus strand): 5'-TCACCCTCAGCCGTCTTCCACATCGCCACCCTGATGCCCACCAAGGACGTGGACAAGCAC[C>G]GCTGCGACAAGAAGCGCCACCTGGGCAACGACTTTGTGTCCATTGTCTACAATGACTCCG-3'
Protein context (NP_000539.2, residues 1624-1644): LMPTKDVDKH[Arg1634Gly]CDKKRHLGND

ClinVar aggregate classification (germline): Uncertain significance (1 of 4 stars; one submission).

Conditions:
Tuberous sclerosis 2 (TSC2). Identifiers: Orphanet 805, MedGen C1860707, MONDO:0013199, OMIM 613254.

Submission:

Labcorp Genetics (formerly Invitae), Labcorp
Classification: Uncertain significance for Tuberous sclerosis 2. Last evaluated: 2023-06-29. Review status: criteria provided, single submitter. Criteria: Invitae Variant Classification Sherloc (09022015). Collection method: clinical testing. Allele origin: germline.
Comment: This sequence change replaces arginine, which is basic and polar, with glycine, which is neutral and non-polar, at codon 1634 of the TSC2 protein (p.Arg1634Gly). This variant is not present in population databases (gnomAD no frequency). This variant has not been reported in the literature in individuals affected with TSC2-related conditions. Advanced modeling of protein sequence and biophysical properties (such as structural, functional, and spatial information, amino acid conservation, physicochemical variation, residue mobility, and thermodynamic stability) performed at Invitae indicates that this missense variant is not expected to disrupt TSC2 protein function. In summary, the available evidence is currently insufficient to determine the role of this variant in disease. Therefore, it has been classified as a Variant of Uncertain Significance.